The following is an entry in ClinVar:

NM_004168.4(SDHA):c.1739_1741delinsTTC (p.Tyr580_Gly581delinsPheArg)

Gene: SDHA (succinate dehydrogenase complex flavoprotein subunit A; plus strand). Cytogenetic location: 5p15.33.
Variant type: Indel.
Coding change: c.1739_1741delinsTTC on transcript NM_004168.4 (MANE Select); coding-DNA positions 1739 to 1741, ACG replaced by TTC.
Protein change: p.Tyr580_Gly581delinsPheArg.
Molecular consequence: missense variant. On other transcripts: intron variant (1).
Genome position (GRCh38, 1-based): chr5:251,413-251,415, ACG replaced by TTC. VCF-style: chr5-251413-ACG-TTC. GRCh37 (hg19) VCF-style: chr5-251528-ACG-TTC.
Other names: c.1595_1597delinsTTC, p.Tyr532_Gly533delinsPheArg (NM_001294332.2); c.1552-2980_1552-2978delinsTTC (NM_001330758.2).
Identifiers: ClinVar variation 3793532 (VCV003793532.1).

ClinVar aggregate classification (germline): Uncertain significance (1 of 4 stars; one submission).

Conditions:
Hereditary cancer-predisposing syndrome. Also called: Neoplastic Syndromes, Hereditary; Hereditary Cancer Syndrome; Tumor predisposition; Hereditary neoplastic syndrome. Identifiers: Orphanet 140162, MedGen C0027672, MeSH D009386, MONDO:0015356.

Submission:

Ambry Genetics
Classification: Uncertain significance for Hereditary cancer-predisposing syndrome. Last evaluated: 2024-12-27. Review status: criteria provided, single submitter. Criteria: Ambry Variant Classification Scheme 2023. Collection method: clinical testing. Allele origin: germline.
Comment: The c.1739_1741delACGinsTTC variant (also known as p.Y580_G581delinsFR), located in coding exon 13 of the SDHA gene, results from an in-frame deletion of ACG and insertion of TTC at nucleotide positions 1739 to 1741. This results in the in-frame deletion of 2 residues (YG) and insertion of 2 new residues (FR) at codons 580 and 581. This variant was reported in individual(s) with paraganglioma (Ambry internal data). The impacted amino acid positions are well conserved in available vertebrate species. In addition, the in silico prediction for this alteration is inconclusive (Choi Y et al. PLoS ONE. 2012; 7(10):e46688). Based on the available evidence, the clinical significance of this variant remains unclear.